The following is an entry in ClinVar:

ClinVar aggregate classification (germline): Conflicting classifications of pathogenicity. Review status: criteria provided, conflicting classifications (1 of 4 stars). 3 submissions from 3 submitters: Likely pathogenic (1); Uncertain significance (2). Last evaluated 2026-06-25.

Conditions:
Monogenic hearing loss.
Pendred syndrome (PDS). Also called: DEAFNESS WITH GOITER; GOITER-DEAFNESS SYNDROME; HYPOTHYROIDISM, CONGENITAL, DUE TO DYSHORMONOGENESIS, 2B; THYROID DYSHORMONOGENESIS 2B; THYROID HORMONOGENESIS, GENETIC DEFECT IN, 2B; Pendred's syndrome. Identifiers: Orphanet 705, MedGen C0271829, MONDO:0010134, OMIM 274600.

Allele frequency attached by ClinVar (database versions not stated): gnomAD 0.00001; ExAC 0.00002; gnomAD exomes 0.00002; TOPMed 0.00002.

Submissions (3):

Genetics Laboratory, Great Ormond Street Hospital NHS Foundation Trust, North Thames Genomic Laboratory Hub
Classification: Uncertain significance for Monogenic hearing loss. Last evaluated: 2026-06-25. Review status: criteria provided, single submitter. Criteria: ACGS Best Practice Guidelines for Variant Classification in Rare Disease 2024 v1.2. Collection method: clinical testing. Allele origin: germline. Affected: yes.
Comment: PM2_moderate, PP3_supporting, PS3_supporting, PM3_supporting

Natera, Inc.
Classification: Likely pathogenic for Pendred syndrome. Last evaluated: 2025-09-23. Review status: criteria provided, single submitter. Criteria: Natera Variant Classification Schema (03/2026). Collection method: clinical testing. Allele origin: germline.
Comment: The c.1243A>G variant in SLC26A4 is a missense variant predicted to cause substitution of serine to glycine at amino acid 415. This variant is rare in the general population with a frequency below the threshold expected for the associated phenotype(s). This variant has been observed in one or more individuals affected with the associated recessive disease, as either homozygous or compound heterozygous with a second variant (PMID: 26969326). Functional studies show that this variant may disrupt protein function (PMID: 38474007). Computational prediction algorithms indicate this variant is likely to affect gene or protein function. Given the available evidence, this variant is classified as Likely Pathogenic.

Women's Health and Genetics/Laboratory Corporation of America, LabCorp
Classification: Uncertain significance. Last evaluated: 2022-06-09. Review status: criteria provided, single submitter. Criteria: LabCorp Variant Classification Summary - May 2015. Collection method: clinical testing. Allele origin: germline.
Comment: Variant summary: SLC26A4 c.1243A>G (p.Ser415Gly) results in a non-conservative amino acid change located in the SLC26A/SulP transporter domain of the encoded protein sequence. Four of five in-silico tools predict a damaging effect of the variant on protein function. The variant allele was found at a frequency of 2.4e-05 in 250806 control chromosomes. The available data on variant occurrences in the general population are insufficient to allow any conclusion about variant significance. c.1243A>G has been reported in the literature in individuals affected with hearing loss (Zhao_2014, Brodie_2021), however there was only one case where the variant was found with a known pathogenic variant (Sloan-Heggen_2016). These data do not allow any conclusion about variant significance. To our knowledge, no experimental evidence demonstrating an impact on protein function has been reported. No clinical diagnostic laboratories have submitted clinical-significance assessments for this variant to ClinVar after 2014. Based on the evidence outlined above, the variant was classified as uncertain significance.

Literature cited by the submitters: PubMed 26969326 (cited by Natera, Inc. and Women's Health and Genetics/Laboratory Corporation of America, LabCorp); PubMed 38474007 (cited by Natera, Inc.); PubMed 33111992 (cited by Women's Health and Genetics/Laboratory Corporation of America, LabCorp); PubMed 25372295 (cited by Women's Health and Genetics/Laboratory Corporation of America, LabCorp); PubMed 26683941 (cited by Women's Health and Genetics/Laboratory Corporation of America, LabCorp).

NM_000441.2(SLC26A4):c.1243A>G (p.Ser415Gly)

Gene: SLC26A4 (solute carrier family 26 member 4; plus strand). Cytogenetic location: 7q22.3.
Variant type: single nucleotide variant.
Coding change: c.1243A>G on transcript NM_000441.2 (MANE Select); coding-DNA position 1243, A replaced by G.
Protein change: p.Ser415Gly; replaces serine 415 with glycine.
Molecular consequence: missense variant.
Genome position (GRCh38, 1-based): chr7:107,690,217, A>G. VCF-style: chr7-107690217-A-G. GRCh37 (hg19) VCF-style: chr7-107330662-A-G.
Other names: short protein forms S415G.
Identifiers: ClinVar variation 1698528 (VCV001698528.3), dbSNP rs756818321, ClinGen allele CA4432730.
Genomic context (GRCh38, chr7:107,690,217, plus strand): 5'-TCAGGATTCTTCTCTTGTTTTGTGGCCACCACTGCTCTTTCCCGCACGGCCGTCCAGGAG[A>G]GCACTGGAGGAAAGACACAGGTAGGAACAACAGCCTTATGATATCCATCTCAGAGAACAA-3'
Protein context (NP_000432.1, residues 405-425): TALSRTAVQE[Ser415Gly]TGGKTQVAGI